The following is an entry in ClinVar:

NM_002139.4(RBMX):c.216+15A>G

Gene: RBMX (RNA binding motif protein X-linked; minus strand). Cytogenetic location: Xq26.3.
Variant type: single nucleotide variant.
Coding change: c.216+15A>G on transcript NM_002139.4 (MANE Select); 15 bases into the intron after coding-DNA position 216, A replaced by G.
Molecular consequence: intron variant.
Genome position (GRCh38, 1-based): chrX:136,879,002, T>C on the plus strand (A>G on the coding strand, the complement: RBMX is on the minus strand). VCF-style: chrX-136879002-T-C. GRCh37 (hg19) VCF-style: chrX-135961161-T-C.
Other names: c.216+15A>G (NM_001164803.2).
Identifiers: ClinVar variation 4688735 (VCV004688735.1).

ClinVar aggregate classification (germline): Likely benign (1 of 4 stars; one submission).

gnomAD v4.1: 5 of 1,209,416 alleles (0.00041%); highest among the groups gnomAD compares: East Asian, 0.012%; no homozygotes.

Submission:

Women's Health and Genetics/Laboratory Corporation of America, LabCorp
Classification: Likely benign. Last evaluated: 2025-12-29. Review status: criteria provided, single submitter. Criteria: LabCorp Variant Classification Summary - May 2015. Collection method: clinical testing. Allele origin: germline.
Comment: Variant summary: RBMX c.216+15A>G alters a nucleotide located at a position not widely known to affect splicing. Consensus agreement among computation tools predict no significant impact on normal splicing. However, these predictions have yet to be confirmed by functional studies. The variant allele was found at a frequency of 2.8e-05 in 181816 control chromosomes. The available data on variant occurrences in the general population are insufficient to allow any conclusion about variant significance. To our knowledge, no occurrence of c.216+15A>G in individuals affected with RBMX-related conditions and no experimental evidence demonstrating its impact on protein function have been reported. No submitters have cited clinical-significance assessments for this variant to ClinVar. Based on the evidence outlined above, the variant was classified as likely benign.